The following is an entry in ClinVar:

ClinVar aggregate classification (germline): Uncertain significance. Review status: criteria provided, multiple submitters, no conflicts (2 of 4 stars). 3 submissions from 3 submitters: Uncertain significance (3). Last evaluated 2026-04-18.

Conditions:
Arrhythmogenic right ventricular dysplasia 11. Also called: ARRHYTHMOGENIC RIGHT VENTRICULAR DYSPLASIA, FAMILIAL, 11; Arrhythmogenic Right Ventricular Dysplasia/Cardiomyopathy11; Arrhythmogenic right ventricular dysplasia 11 with mild palmoplantar keratoderma and woolly hair. Identifiers: MedGen C1864850, MONDO:0012506, OMIM 610476.
Cardiomyopathy (CMYO). Also called: Cardiomyopathies. Identifiers: Orphanet 167848, MedGen C0878544, MONDO:0004994, HP:0001638. Inheritance: Various modes of inheritance.
Cardiovascular phenotype. Identifiers: MedGen CN230736.

gnomAD v4.1: 1 of 1,614,034 alleles (0.000062%); no homozygotes.

Submissions (3):

Ambry Genetics
Classification: Uncertain significance for Cardiovascular phenotype. Last evaluated: 2026-04-18. Review status: criteria provided, single submitter. Criteria: Ambry Variant Classification Scheme 2023. Collection method: clinical testing. Allele origin: germline.
Comment: The p.G468D variant (also known as c.1403G>A), located in coding exon 10 of the DSC2 gene, results from a G to A substitution at nucleotide position 1403. The glycine at codon 468 is replaced by aspartic acid, an amino acid with similar properties. This amino acid position is conserved. In addition, this alteration is predicted to be deleterious by in silico analysis. Based on the available evidence, the clinical significance of this variant remains unclear.

Labcorp Genetics (formerly Invitae), Labcorp
Classification: Uncertain significance for Arrhythmogenic right ventricular dysplasia 11. Last evaluated: 2025-11-24. Review status: criteria provided, single submitter. Criteria: Invitae Variant Classification Sherloc (09022015). Collection method: clinical testing. Allele origin: germline.
Comment: This sequence change replaces glycine, which is neutral and non-polar, with aspartic acid, which is acidic and polar, at codon 468 of the DSC2 protein (p.Gly468Asp). This variant is not present in population databases (gnomAD no frequency). This variant has not been reported in the literature in individuals affected with DSC2-related conditions. Invitae Evidence Modeling of protein sequence and biophysical properties (such as structural, functional, and spatial information, amino acid conservation, physicochemical variation, residue mobility, and thermodynamic stability) indicates that this missense variant is expected to disrupt DSC2 protein function with a positive predictive value of 80%. In summary, the available evidence is currently insufficient to determine the role of this variant in disease. Therefore, it has been classified as a Variant of Uncertain Significance.

Color Diagnostics, LLC DBA Color Health
Classification: Uncertain significance for Cardiomyopathy. Last evaluated: 2025-08-14. Review status: criteria provided, single submitter. Criteria: ACMG Guidelines, 2015. Collection method: clinical testing. Allele origin: germline.
Comment: This missense variant replaces glycine with aspartic acid at codon 468 of the DSC2 protein. Computational prediction suggests that this variant may not impact protein structure and function. To our knowledge, functional studies have not been reported for this variant. This variant has not been reported in individuals affected with DSC2-related disorders in the literature. This variant has not been identified in the general population by the Genome Aggregation Database (gnomAD). The available evidence is insufficient to determine the role of this variant in disease conclusively. Therefore, this variant is classified as a Variant of Uncertain Significance.

NM_024422.6(DSC2):c.1403G>A (p.Gly468Asp)

Gene: DSC2 (desmocollin 2; minus strand). Cytogenetic location: 18q12.1.
Variant type: single nucleotide variant.
Coding change: c.1403G>A on transcript NM_024422.6 (MANE Select); coding-DNA position 1403, G replaced by A.
Protein change: p.Gly468Asp; replaces glycine 468 with aspartic acid.
Molecular consequence: missense variant.
Genome position (GRCh38, 1-based): chr18:31,080,213, C>T on the plus strand (G>A on the coding strand, the complement: DSC2 is on the minus strand). VCF-style: chr18-31080213-C-T. GRCh37 (hg19) VCF-style: chr18-28660179-C-T.
Other names: c.974G>A, p.Gly325Asp (NM_001406506.1, NM_001406507.1); c.1403G>A, p.Gly468Asp (NM_004949.5); c.1403G>A (NM_024422.3); short protein forms G325D, G468D.
Identifiers: ClinVar variation 4756202 (VCV004756202.3).